The following is an entry in ClinVar:

ClinVar aggregate classification (germline): Likely benign (1 of 4 stars; one submission).

Allele frequency attached by ClinVar (database versions not stated): 1000 Genomes Project 0.00260; TOPMed 0.00677; ExAC 0.00422; 1000 Genomes Project 30x 0.00250; gnomAD 0.00698; gnomAD exomes 0.00962.
gnomAD v4.1: 14,252 of 1,535,014 alleles (0.93%); highest among the groups gnomAD compares: Non-Finnish European, 1.1%; 86 homozygotes.

Submission:

CeGaT Center for Human Genetics Tuebingen
Classification: Likely benign. Last evaluated: 2026-01-01. Review status: criteria provided, single submitter. Criteria: CeGaT Center For Human Genetics Tuebingen Variant Classification Criteria Version 2. Collection method: clinical testing. Allele origin: germline. Affected: yes. Observed: 3 variant alleles.
Comment: PAFAH1B2: BP4

NM_001184747.2(PAFAH1B2):c.412-4214C>T

Gene: PAFAH1B2 (platelet activating factor acetylhydrolase 1b catalytic subunit 2; plus strand). Cytogenetic location: 11q23.3.
Variant type: single nucleotide variant.
Coding change: c.412-4214C>T on transcript NM_001184747.2; 4214 bases into the intron before coding-DNA position 412, C replaced by T.
Molecular consequence: intron variant. On other transcripts: missense variant (1), non-coding transcript variant (1).
Genome position (GRCh38, 1-based): chr11:117,171,692, C>T. VCF-style: chr11-117171692-C-T. GRCh37 (hg19) VCF-style: chr11-117042408-C-T.
Other names: c.482C>T, p.Ser161Leu (NM_001184746.2); c.394-3201C>T (NM_001184748.2); short protein forms S161L.
Identifiers: ClinVar variation 2672484 (VCV002672484.21), dbSNP rs186808413, ClinGen allele CA6291249.
Genomic context (GRCh38, chr11:117,171,692, plus strand): 5'-CCGCCTCCAAATACTCTATCTCAGAGATAGTGAGACTAGAACAAGGGTCGGTTAACTGGT[C>T]GATCGGGACCTATCCTGATGACACACCAGCAACTACCAGGCCAGCAATATTACAGTGAGT-3'